The following is an entry in ClinVar:

ClinVar aggregate classification (germline): Pathogenic (1 of 4 stars; one submission).

Conditions:
Inborn genetic diseases. Identifiers: MedGen C0950123, MeSH D030342.

Submission:

Ambry Genetics
Classification: Pathogenic for Inborn genetic diseases. Last evaluated: 2018-06-20. Review status: criteria provided, single submitter. Criteria: Ambry Variant Classification Scheme 2023. Collection method: clinical testing. Allele origin: germline.
Comment: The p.Q198* pathogenic mutation (also known as c.592C>T), located in coding exon 6 of the CHD2 gene, results from a C to T substitution at nucleotide position 592. This changes the amino acid from a glutamine to a stop codon within coding exon 6. This alteration is expected to result in loss of function by premature protein truncation or nonsense-mediated mRNA decay. As such, this alteration is interpreted as a disease-causing mutation.

NM_001271.4(CHD2):c.592C>T (p.Gln198Ter)

Gene: CHD2 (chromodomain helicase DNA binding protein 2; plus strand). Cytogenetic location: 15q26.1.
Variant type: single nucleotide variant.
Coding change: c.592C>T on transcript NM_001271.4 (MANE Select); coding-DNA position 592, C replaced by T.
Protein change: p.Gln198Ter; replaces glutamine 198 with a stop codon.
Molecular consequence: nonsense.
Genome position (GRCh38, 1-based): chr15:92,939,618, C>T. VCF-style: chr15-92939618-C-T. GRCh37 (hg19) VCF-style: chr15-93482848-C-T.
Other names: c.592C>T, p.Gln198Ter (NM_001042572.3); short protein forms Q198*.
Identifiers: ClinVar variation 1750545 (VCV001750545.2), dbSNP rs2505432973, ClinGen allele CA393900058.